The following is an entry in ClinVar:

ClinVar aggregate classification (germline): Uncertain significance (1 of 4 stars; one submission).

Submission:

Labcorp Genetics (formerly Invitae), Labcorp
Classification: Uncertain significance. Last evaluated: 2026-01-16. Review status: criteria provided, single submitter. Criteria: Invitae Variant Classification Sherloc (09022015). Collection method: clinical testing. Allele origin: germline.
Comment: This sequence change replaces proline, which is neutral and non-polar, with leucine, which is neutral and non-polar, at codon 24 of the SOX18 protein (p.Pro24Leu). This variant is present in population databases (no rsID available, gnomAD 0.007%). This variant has not been reported in the literature in individuals affected with SOX18-related conditions. ClinVar contains an entry for this variant (Variation ID: 3704957). An algorithm developed to predict the effect of missense changes on protein structure and function (PolyPhen-2) suggests that this variant is likely to be disruptive. In summary, the available evidence is currently insufficient to determine the role of this variant in disease. Therefore, it has been classified as a Variant of Uncertain Significance.

NM_018419.3(SOX18):c.71C>T (p.Pro24Leu)

Gene: SOX18 (SRY-box transcription factor 18; minus strand). Cytogenetic location: 20q13.33.
Variant type: single nucleotide variant.
Coding change: c.71C>T on transcript NM_018419.3 (MANE Select); coding-DNA position 71, C replaced by T.
Protein change: p.Pro24Leu; replaces proline 24 with leucine.
Molecular consequence: missense variant.
Genome position (GRCh38, 1-based): chr20:64,049,446, G>A on the plus strand (C>T on the coding strand, the complement: SOX18 is on the minus strand). VCF-style: chr20-64049446-G-A. GRCh37 (hg19) VCF-style: chr20-62680799-G-A.
Other names: short protein forms P24L.
Identifiers: ClinVar variation 3704957 (VCV003704957.2).